The following is an entry in ClinVar:

NM_000440.3(PDE6A):c.397G>A (p.Val133Ile)

Gene: PDE6A (phosphodiesterase 6A; minus strand). Cytogenetic location: 5q32.
Variant type: single nucleotide variant.
Coding change: c.397G>A on transcript NM_000440.3 (MANE Select); coding-DNA position 397, G replaced by A.
Protein change: p.Val133Ile; replaces valine 133 with isoleucine.
Molecular consequence: missense variant.
Genome position (GRCh38, 1-based): chr5:149,944,277, C>T on the plus strand (G>A on the coding strand, the complement: PDE6A is on the minus strand). VCF-style: chr5-149944277-C-T. GRCh37 (hg19) VCF-style: chr5-149323840-C-T.
Other names: short protein forms V133I.
Identifiers: ClinVar variation 352001 (VCV000352001.14), dbSNP rs768596256, ClinGen allele CA3505063.

ClinVar aggregate classification (germline): Uncertain significance. Review status: criteria provided, multiple submitters, no conflicts (2 of 4 stars). 4 submissions from 4 submitters: Uncertain significance (4). Last evaluated 2025-09-02.

Conditions:
Inborn genetic diseases. Identifiers: MedGen C0950123, MeSH D030342.
Retinitis pigmentosa (RP). Identifiers: Orphanet 791, MedGen C0035334, MeSH D012174, MONDO:0019200, OMIM 268000. Inheritance: Autosomal dominant, autosomal recessive and X linked inheritance.

Allele frequency attached by ClinVar (database versions not stated): ExAC 0.00002; gnomAD 0.00003 and 0.00004; gnomAD exomes 0.00003 and 0.00004.
gnomAD v4.1: 72 of 1,613,796 alleles (0.0045%); highest among the groups gnomAD compares: Admixed American, 0.005%; no homozygotes.

Submissions (4):

Labcorp Genetics (formerly Invitae), Labcorp
Classification: Uncertain significance. Last evaluated: 2025-09-02. Review status: criteria provided, single submitter. Criteria: Invitae Variant Classification Sherloc (09022015). Collection method: clinical testing. Allele origin: germline.
Comment: This sequence change replaces valine, which is neutral and non-polar, with isoleucine, which is neutral and non-polar, at codon 133 of the PDE6A protein (p.Val133Ile). This variant is present in population databases (rs768596256, gnomAD 0.006%). This variant has not been reported in the literature in individuals affected with PDE6A-related conditions. ClinVar contains an entry for this variant (Variation ID: 352001). Invitae Evidence Modeling of protein sequence and biophysical properties (such as structural, functional, and spatial information, amino acid conservation, physicochemical variation, residue mobility, and thermodynamic stability) has been performed for this missense variant. However, the output from this modeling did not meet the statistical confidence thresholds required to predict the impact of this variant on PDE6A protein function. In summary, the available evidence is currently insufficient to determine the role of this variant in disease. Therefore, it has been classified as a Variant of Uncertain Significance.

Blueprint Genetics
Classification: Uncertain significance. Last evaluated: 2024-06-27. Review status: criteria provided, single submitter. Criteria: ACMG Guidelines, 2015. Collection method: clinical testing. Allele origin: germline.

Ambry Genetics
Classification: Uncertain significance for Inborn genetic diseases. Last evaluated: 2021-09-16. Review status: criteria provided, single submitter. Criteria: Ambry Variant Classification Scheme 2023. Collection method: clinical testing. Allele origin: germline.

Illumina Laboratory Services, Illumina
Classification: Uncertain significance for Retinitis pigmentosa. Last evaluated: 2018-01-13. Review status: criteria provided, single submitter. Criteria: ICSL Variant Classification Criteria 13 December 2019. Collection method: clinical testing. Allele origin: germline.